The following is an entry in ClinVar:

NC_000005.9:g.(?_131891616)_(131981313_?)del

Gene: RAD50 (RAD50 double strand break repair protein; plus strand). Cytogenetic location: 5q31.1.
Variant type: Deletion.
Identifiers: ClinVar variation 1072245 (VCV001072245.2).

ClinVar aggregate classification (germline): Pathogenic (1 of 4 stars; one submission).

Conditions:
Hereditary cancer-predisposing syndrome. Also called: Tumor predisposition; Hereditary neoplastic syndrome; Neoplastic Syndromes, Hereditary; Hereditary Cancer Syndrome. Identifiers: Orphanet 140162, MedGen C0027672, MeSH D009386, MONDO:0015356.

Submission:

Labcorp Genetics (formerly Invitae), Labcorp
Classification: Pathogenic for Hereditary cancer-predisposing syndrome. Last evaluated: 2021-09-29. Review status: criteria provided, single submitter. Criteria: Invitae Variant Classification Sherloc (09022015). Collection method: clinical testing. Allele origin: germline.
Comment: A gross deletion of the genomic region encompassing the full coding sequence of the RAD50 gene has been identified. Loss-of-function variants in RAD50 are known to be pathogenic (PMID: 19409520). The boundaries of this event are unknown as they extend beyond the assayed region for this gene and therefore may encompass additional genes. This variant has not been reported in the literature in individuals affected with RAD50-related conditions. For these reasons, this variant has been classified as Pathogenic.

Literature cited by the submitters: PubMed 19409520.